The following is an entry in ClinVar:

ClinVar aggregate classification (germline): Uncertain significance (1 of 4 stars; one submission).

gnomAD v4.1: 6 of 1,613,580 alleles (0.00037%); highest among the groups gnomAD compares: East Asian, 0.0045%; no homozygotes.

Submission:

Labcorp Genetics (formerly Invitae), Labcorp
Classification: Uncertain significance. Last evaluated: 2023-12-11. Review status: criteria provided, single submitter. Criteria: Invitae Variant Classification Sherloc (09022015). Collection method: clinical testing. Allele origin: germline.
Comment: This sequence change replaces proline, which is neutral and non-polar, with leucine, which is neutral and non-polar, at codon 10 of the PRMT7 protein (p.Pro10Leu). The frequency data for this variant in the population databases is considered unreliable, as metrics indicate poor data quality at this position in the gnomAD database. This variant has not been reported in the literature in individuals affected with PRMT7-related conditions. ClinVar contains an entry for this variant (Variation ID: 1967109). An algorithm developed to predict the effect of missense changes on protein structure and function (PolyPhen-2) suggests that this variant is likely to be disruptive. In summary, the available evidence is currently insufficient to determine the role of this variant in disease. Therefore, it has been classified as a Variant of Uncertain Significance.

NM_019023.5(PRMT7):c.29C>T (p.Pro10Leu)

Gene: PRMT7 (protein arginine methyltransferase 7; plus strand). Cytogenetic location: 16q22.1.
Variant type: single nucleotide variant.
Coding change: c.29C>T on transcript NM_019023.5 (MANE Select); coding-DNA position 29, C replaced by T.
Protein change: p.Pro10Leu; replaces proline 10 with leucine.
Molecular consequence: missense variant. On other transcripts: 5 prime UTR variant (4), non-coding transcript variant (12).
Genome position (GRCh38, 1-based): chr16:68,316,008, C>T. VCF-style: chr16-68316008-C-T. GRCh37 (hg19) VCF-style: chr16-68349911-C-T.
Other names: c.29C>T, p.Pro10Leu (NM_001184824.4, NM_001290018.2, NM_001351143.3 and 2 more transcripts); c.-33C>T (NM_001378020.1); c.-172C>T (NM_001378021.1, NM_001378022.1, NM_001378023.1); short protein forms P10L.
Identifiers: ClinVar variation 1967109 (VCV001967109.5), dbSNP rs756452564, ClinGen allele CA283267214.